The following is an entry in ClinVar:

NM_000245.4(MET):c.1863-14G>T

Gene: MET (MET proto-oncogene, receptor tyrosine kinase; plus strand). Cytogenetic location: 7q31.2.
Variant type: single nucleotide variant.
Coding change: c.1863-14G>T on transcript NM_000245.4 (MANE Select); 14 bases into the intron before coding-DNA position 1863, G replaced by T.
Molecular consequence: intron variant.
Genome position (GRCh38, 1-based): chr7:116,757,423, G>T. VCF-style: chr7-116757423-G-T. GRCh37 (hg19) VCF-style: chr7-116397477-G-T.
Other names: c.1863-14G>T (NM_001127500.3, NM_001324401.3); c.573-14G>T (NM_001324402.2).
Identifiers: ClinVar variation 3773078 (VCV003773078.1).

ClinVar aggregate classification (germline): Likely benign (1 of 4 stars; one submission).

Conditions:
Papillary renal cell carcinoma type 1 (RCCP1). Also called: Renal adenocarcinoma; Renal cell carcinoma 1; Renal cell carcinoma, somatic; RENAL CELL CARCINOMA, PAPILLARY, 1, SOMATIC. Identifiers: Orphanet 47044, MedGen C1336839, OMIM 605074, HP:0011797.

gnomAD v4.1: 1 of 1,608,506 alleles (0.000062%); highest among the groups gnomAD compares: Non-Finnish European, 0.000085%; no homozygotes.

Submission:

Myriad Genetics, Inc.
Classification: Likely benign for Papillary renal cell carcinoma type 1. Last evaluated: 2024-11-08. Review status: criteria provided, single submitter. Criteria: Myriad Autosomal Dominant, Autosomal Recessive and X-Linked Classification Criteria (2023). Collection method: clinical testing. Allele origin: unknown.
Comment: This variant is considered likely benign. This variant is intronic and is not expected to impact mRNA splicing.